The following is an entry in ClinVar:

ClinVar aggregate classification (germline): Uncertain significance (1 of 4 stars; one submission).

Conditions:
Cardiovascular phenotype. Identifiers: MedGen CN230736.

Submission:

Ambry Genetics
Classification: Uncertain significance for Cardiovascular phenotype. Last evaluated: 2022-06-09. Review status: criteria provided, single submitter. Criteria: Ambry Variant Classification Scheme 2023. Collection method: clinical testing. Allele origin: germline.
Comment: The p.I818V variant (also known as c.2452A>G), located in coding exon 18 of the RASA1 gene, results from an A to G substitution at nucleotide position 2452. The isoleucine at codon 818 is replaced by valine, an amino acid with highly similar properties. This amino acid position is conserved. In addition, this alteration is predicted to be tolerated by in silico analysis. Since supporting evidence is limited at this time, the clinical significance of this alteration remains unclear.

NM_002890.3(RASA1):c.2452A>G (p.Ile818Val)

Genes: CCNH (cyclin H; minus strand), RASA1 (RAS p21 protein activator 1; plus strand). Cytogenetic location: 5q14.3.
Variant type: single nucleotide variant.
Coding change: c.2452A>G on transcript NM_002890.3 (MANE Select); coding-DNA position 2452, A replaced by G.
Protein change: p.Ile818Val; replaces isoleucine 818 with valine.
Molecular consequence: missense variant. On other transcripts: intron variant (1).
Genome position (GRCh38, 1-based): chr5:87,378,503, A>G. VCF-style: chr5-87378503-A-G. GRCh37 (hg19) VCF-style: chr5-86674320-A-G.
Other names: c.1921A>G, p.Ile641Val (NM_022650.3); c.933+16541T>C (NM_001364075.2); short protein forms I641V, I818V.
Identifiers: ClinVar variation 1791508 (VCV001791508.2), dbSNP rs2531355430, ClinGen allele CA360382614.